The following is an entry in ClinVar:

NM_020949.3(SLC7A14):c.329T>C (p.Val110Ala)

Genes: SLC7A14 (solute carrier family 7 member 14; minus strand), SLC7A14-AS1 (SLC7A14 antisense RNA 1; plus strand). Cytogenetic location: 3q26.2.
Variant type: single nucleotide variant.
Coding change: c.329T>C on transcript NM_020949.3 (MANE Select); coding-DNA position 329, T replaced by C.
Protein change: p.Val110Ala; replaces valine 110 with alanine.
Molecular consequence: missense variant.
Genome position (GRCh38, 1-based): chr3:170,501,321, A>G on the plus strand (T>C on the coding strand, the complement: SLC7A14 is on the minus strand). VCF-style: chr3-170501321-A-G. GRCh37 (hg19) VCF-style: chr3-170219110-A-G.
Other names: short protein forms V110A.
Identifiers: ClinVar variation 2793549 (VCV002793549.3), dbSNP rs1560260536, ClinGen allele CA355517534.

ClinVar aggregate classification (germline): Uncertain significance (1 of 4 stars; one submission).

Allele frequency attached by ClinVar (database versions not stated): gnomAD exomes below 0.00001.
gnomAD v4.1: 1 of 1,614,134 alleles (0.000062%); highest among the groups gnomAD compares: Non-Finnish European, 0.000085%; no homozygotes.

Submission:

Labcorp Genetics (formerly Invitae), Labcorp
Classification: Uncertain significance. Last evaluated: 2022-11-01. Review status: criteria provided, single submitter. Criteria: Invitae Variant Classification Sherloc (09022015). Collection method: clinical testing. Allele origin: germline.
Comment: In summary, the available evidence is currently insufficient to determine the role of this variant in disease. Therefore, it has been classified as a Variant of Uncertain Significance. Algorithms developed to predict the effect of missense changes on protein structure and function are either unavailable or do not agree on the potential impact of this missense change (SIFT: "Tolerated"; PolyPhen-2: "Probably Damaging"; Align-GVGD: "Class C0"). This variant has not been reported in the literature in individuals affected with SLC7A14-related conditions. This variant is not present in population databases (gnomAD no frequency). This sequence change replaces valine, which is neutral and non-polar, with alanine, which is neutral and non-polar, at codon 110 of the SLC7A14 protein (p.Val110Ala).